The following is an entry in ClinVar:

NM_206937.2(LIG4):c.2328A>C (p.Glu776Asp)

Gene: LIG4 (DNA ligase 4; minus strand). Cytogenetic location: 13q33.3.
Variant type: single nucleotide variant.
Coding change: c.2328A>C on transcript NM_206937.2 (MANE Select); coding-DNA position 2328, A replaced by C.
Protein change: p.Glu776Asp; replaces glutamic acid 776 with aspartic acid.
Molecular consequence: missense variant.
Genome position (GRCh38, 1-based): chr13:108,208,941, T>G on the plus strand (A>C on the coding strand, the complement: LIG4 is on the minus strand). VCF-style: chr13-108208941-T-G. GRCh37 (hg19) VCF-style: chr13-108861289-T-G.
Other names: c.2328A>C, p.Glu776Asp (NM_001098268.2, NM_001352598.2, NM_001352599.2 and 6 more transcripts); c.2127A>C, p.Glu709Asp (NM_001330595.2); c.2364A>C, p.Glu788Asp (NM_001352604.2); short protein forms E776D, E788D, E709D.
Identifiers: ClinVar variation 4766047 (VCV004766047.1).
Genomic context (GRCh38, chr13:108,208,941, plus strand): 5'-AATCAGAGAAGCCATTTCTTCAGGAGTCTGCTCGTTAGAATTTTTAATTCCTGAGAATAC[T>G]TCCTTCAGTTGGTTCAAGTCTGTATCAATGAAATAACTATCACCATAGCAATCATATTCA-3'
Protein context (NP_996820.1, residues 766-786): FIDTDLNQLK[Glu776Asp]VFSGIKNSNE

ClinVar aggregate classification (germline): Uncertain significance (1 of 4 stars; one submission).

Conditions:
DNA ligase IV deficiency. Identifiers: Orphanet 99812, MedGen C1847827, MONDO:0011686, OMIM 606593.

gnomAD v4.1: 5 of 1,614,072 alleles (0.00031%); highest among the groups gnomAD compares: Non-Finnish European, 0.00042%; no homozygotes.

Submission:

Labcorp Genetics (formerly Invitae), Labcorp
Classification: Uncertain significance for DNA ligase IV deficiency. Last evaluated: 2025-08-02. Review status: criteria provided, single submitter. Criteria: Invitae Variant Classification Sherloc (09022015). Collection method: clinical testing. Allele origin: germline.
Comment: This sequence change replaces glutamic acid, which is acidic and polar, with aspartic acid, which is acidic and polar, at codon 776 of the LIG4 protein (p.Glu776Asp). This variant is present in population databases (no rsID available, gnomAD 0.03%). This variant has not been reported in the literature in individuals affected with LIG4-related conditions. Invitae Evidence Modeling of protein sequence and biophysical properties (such as structural, functional, and spatial information, amino acid conservation, physicochemical variation, residue mobility, and thermodynamic stability) indicates that this missense variant is not expected to disrupt LIG4 protein function with a negative predictive value of 80%. In summary, the available evidence is currently insufficient to determine the role of this variant in disease. Therefore, it has been classified as a Variant of Uncertain Significance.